The following is an entry in ClinVar:

ClinVar aggregate classification (germline): Uncertain significance (1 of 4 stars; one submission).

Conditions:
Hereditary cancer-predisposing syndrome. Also called: Neoplastic Syndromes, Hereditary; Hereditary Cancer Syndrome; Tumor predisposition; Hereditary neoplastic syndrome. Identifiers: Orphanet 140162, MedGen C0027672, MeSH D009386, MONDO:0015356.

gnomAD v4.1: 2 of 1,614,154 alleles (0.00012%); highest among the groups gnomAD compares: Non-Finnish European, 0.00017%; no homozygotes.

Submission:

Ambry Genetics
Classification: Uncertain significance for Hereditary cancer-predisposing syndrome. Last evaluated: 2025-01-31. Review status: criteria provided, single submitter. Criteria: Ambry Variant Classification Scheme 2023. Collection method: clinical testing. Allele origin: germline.
Comment: The p.I311V variant (also known as c.931A>G), located in coding exon 7 of the SMARCB1 gene, results from an A to G substitution at nucleotide position 931. The isoleucine at codon 311 is replaced by valine, an amino acid with highly similar properties. This amino acid position is conserved. In addition, the in silico prediction for this alteration is inconclusive. Based on the available evidence, the clinical significance of this variant remains unclear.

NM_003073.5(SMARCB1):c.931A>G (p.Ile311Val)

Gene: SMARCB1 (SWI/SNF related BAF chromatin remodeling complex subunit B1; plus strand). Cytogenetic location: 22q11.23.
Variant type: single nucleotide variant.
Coding change: c.931A>G on transcript NM_003073.5 (MANE Select); coding-DNA position 931, A replaced by G.
Protein change: p.Ile311Val; replaces isoleucine 311 with valine.
Molecular consequence: missense variant.
Genome position (GRCh38, 1-based): chr22:23,825,360, A>G. VCF-style: chr22-23825360-A-G. GRCh37 (hg19) VCF-style: chr22-24167547-A-G.
Other names: c.904A>G, p.Ile302Val (NM_001007468.3); c.958A>G, p.Ile320Val (NM_001317946.2); c.985A>G, p.Ile329Val (NM_001362877.2); short protein forms I320V, I302V, I311V, I329V.
Identifiers: ClinVar variation 3798947 (VCV003798947.1).